The following is an entry in ClinVar:

NM_000551.4(VHL):c.21C>G (p.Asn7Lys)

Gene: VHL (von Hippel-Lindau tumor suppressor; plus strand). Cytogenetic location: 3p25.3.
Variant type: single nucleotide variant.
Coding change: c.21C>G on transcript NM_000551.4 (MANE Select); coding-DNA position 21, C replaced by G.
Protein change: p.Asn7Lys; replaces asparagine 7 with lysine.
Molecular consequence: missense variant.
Genome position (GRCh38, 1-based): chr3:10,141,868, C>G. VCF-style: chr3-10141868-C-G. GRCh37 (hg19) VCF-style: chr3-10183552-C-G.
Other names: c.21C>G, p.Asn7Lys (NM_001354723.2, NM_198156.3); short protein forms N7K.
Identifiers: ClinVar variation 849658 (VCV000849658.11), dbSNP rs1060503561, ClinGen allele CA351747053.
Genomic context (GRCh38, chr3:10,141,868, plus strand): 5'-CCCGCGGCGTCCGGCCCGGGTGGTCTGGATCGCGGAGGGAATGCCCCGGAGGGCGGAGAA[C>G]TGGGACGAGGCCGAGGTAGGCGCGGAGGAGGCAGGCGTCGAAGAGTACGGCCCTGAAGAA-3'
Protein context (NP_000542.1, residues 1-17): MPRRAE[Asn7Lys]WDEAEVGAEE

ClinVar aggregate classification (germline): Conflicting classifications of pathogenicity. Review status: criteria provided, conflicting classifications (1 of 4 stars). 2 submissions from 2 submitters: Uncertain significance (1); Likely benign (1). Last evaluated 2025-12-20.

Conditions:
Hereditary cancer-predisposing syndrome. Also called: Neoplastic Syndromes, Hereditary; Hereditary Cancer Syndrome; Hereditary neoplastic syndrome; Tumor predisposition. Identifiers: Orphanet 140162, MedGen C0027672, MeSH D009386, MONDO:0015356.
Chuvash polycythemia. Also called: POLYCYTHEMIA, VHL-DEPENDENT. Identifiers: Orphanet 238557, MedGen C1837915, MONDO:0009892, OMIM 263400.
Von Hippel-Lindau syndrome (VHLS). Also called: VHL syndrome; Von Hippel-Lindau; von Hippel–Lindau syndrome. Identifiers: Orphanet 892, MedGen C0019562, MONDO:0008667, OMIM 193300. Disease mechanism: loss of function.

gnomAD v4.1: 1 of 1,535,246 alleles (0.000065%); highest among the groups gnomAD compares: South Asian, 0.0012%; no homozygotes.

Submissions (2):

Labcorp Genetics (formerly Invitae), Labcorp
Classification: Uncertain significance for Von Hippel-Lindau syndrome; Chuvash polycythemia. Last evaluated: 2025-12-20. Review status: criteria provided, single submitter. Criteria: Invitae Variant Classification Sherloc (09022015). Collection method: clinical testing. Allele origin: germline.
Comment: This sequence change replaces asparagine, which is neutral and polar, with lysine, which is basic and polar, at codon 7 of the VHL protein (p.Asn7Lys). This variant is not present in population databases (gnomAD no frequency). This variant has not been reported in the literature in individuals affected with VHL-related conditions. ClinVar contains an entry for this variant (Variation ID: 849658). Invitae Evidence Modeling of protein sequence and biophysical properties (such as structural, functional, and spatial information, amino acid conservation, physicochemical variation, residue mobility, and thermodynamic stability) indicates that this missense variant is not expected to disrupt VHL protein function with a negative predictive value of 95%. In summary, the available evidence is currently insufficient to determine the role of this variant in disease. Therefore, it has been classified as a Variant of Uncertain Significance.

Ambry Genetics
Classification: Likely benign for Hereditary cancer-predisposing syndrome. Last evaluated: 2024-05-08. Review status: criteria provided, single submitter. Criteria: Ambry Variant Classification Scheme 2023. Collection method: clinical testing. Allele origin: germline.